The following is an entry in ClinVar:

ClinVar aggregate classification (germline): Uncertain significance (1 of 4 stars; one submission).

Conditions:
Joubert syndrome 18 (JBTS18). Identifiers: Orphanet 2754, MedGen C3553758, MONDO:0013896, OMIM 614815.
Orofacial-digital syndrome IV (OFD4). Also called: Orofaciodigital syndrome IV; BARAITSER-BURN SYNDROME; OFD SYNDROME WITH TIBIAL DEFECTS; OFD SYNDROME, BARAITSER-BURN TYPE; OFDS IV; ORAL-FACIAL-DIGITAL SYNDROME, TYPE IV. Identifiers: Orphanet 2753, MedGen C0406727, MONDO:0009794, OMIM 258860.

Allele frequency attached by ClinVar (database versions not stated): gnomAD exomes below 0.00001; TOPMed below 0.00001; ExAC 0.00001; gnomAD 0.00001; ESP Exome Variant Server 0.00008.
gnomAD v4.1: 4 of 1,614,014 alleles (0.00025%); highest among the groups gnomAD compares: Non-Finnish European, 0.00034%; no homozygotes.

Submission:

Labcorp Genetics (formerly Invitae), Labcorp
Classification: Uncertain significance for Joubert syndrome 18; Orofacial-digital syndrome IV. Last evaluated: 2022-09-12. Review status: criteria provided, single submitter. Criteria: Invitae Variant Classification Sherloc (09022015). Collection method: clinical testing. Allele origin: germline.
Comment: This sequence change replaces alanine, which is neutral and non-polar, with threonine, which is neutral and polar, at codon 505 of the TCTN3 protein (p.Ala505Thr). This variant is present in population databases (rs376520003, gnomAD 0.0009%). This variant has not been reported in the literature in individuals affected with TCTN3-related conditions. Advanced modeling of protein sequence and biophysical properties (such as structural, functional, and spatial information, amino acid conservation, physicochemical variation, residue mobility, and thermodynamic stability) performed at Invitae indicates that this missense variant is not expected to disrupt TCTN3 protein function. In summary, the available evidence is currently insufficient to determine the role of this variant in disease. Therefore, it has been classified as a Variant of Uncertain Significance.

NM_015631.6(TCTN3):c.1513G>A (p.Ala505Thr)

Gene: TCTN3 (tectonic family member 3; minus strand). Cytogenetic location: 10q24.1.
Variant type: single nucleotide variant.
Coding change: c.1513G>A on transcript NM_015631.6 (MANE Select); coding-DNA position 1513, G replaced by A.
Protein change: p.Ala505Thr; replaces alanine 505 with threonine.
Molecular consequence: missense variant.
Genome position (GRCh38, 1-based): chr10:95,680,549, C>T on the plus strand (G>A on the coding strand, the complement: TCTN3 is on the minus strand). VCF-style: chr10-95680549-C-T. GRCh37 (hg19) VCF-style: chr10-97440306-C-T.
Other names: c.1567G>A, p.Ala523Thr (NM_001013840.1); c.1069G>A, p.Ala357Thr (NM_001143973.2); c.1417G>A, p.Ala473Thr (NM_001410982.1); short protein forms A505T, A523T, A357T, A473T.
Identifiers: ClinVar variation 1960577 (VCV001960577.2), dbSNP rs376520003, ClinGen allele CA5620809.
Genomic context (GRCh38, chr10:95,680,549, plus strand): 5'-GGTATAGGAATCGAACTCCTGATACATGAGCTTGCGGGTTGGACAGGAGACCTACATATG[C>T]CCACAATACCTGGATCTCCAGGGAAACTGGTATGAGACAGCAGGAAGTACAGTTTATAGC-3'
Protein context (NP_056446.4, residues 495-515): PVSLEIQVLW[Ala505Thr]YVGLLSNPQA